The following is an entry in ClinVar:

NM_080680.3(COL11A2):c.2836G>C (p.Gly946Arg)

Gene: COL11A2 (collagen type XI alpha 2 chain; minus strand). Cytogenetic location: 6p21.32.
Variant type: single nucleotide variant.
Coding change: c.2836G>C on transcript NM_080680.3 (MANE Select); coding-DNA position 2836, G replaced by C.
Protein change: p.Gly946Arg; replaces glycine 946 with arginine.
Molecular consequence: missense variant.
Genome position (GRCh38, 1-based): chr6:33,172,592, C>G on the plus strand (G>C on the coding strand, the complement: COL11A2 is on the minus strand). VCF-style: chr6-33172592-C-G. GRCh37 (hg19) VCF-style: chr6-33140369-C-G.
Other names: c.2656G>C, p.Gly886Arg (NM_001424108.1); c.1990G>C, p.Gly664Arg (NM_001424109.1); c.1810G>C, p.Gly604Arg (NM_001424110.1, NM_001424111.1); c.790G>C, p.Gly264Arg (NM_001424112.1); c.2515G>C, p.Gly839Arg (NM_080679.3); c.2578G>C, p.Gly860Arg (NM_080681.3); short protein forms G264R, G604R, G664R, G839R, G860R, G886R, G946R.
Identifiers: ClinVar variation 3907568 (VCV003907568.1).

ClinVar aggregate classification (germline): Uncertain significance (1 of 4 stars; one submission).

Submission:

Women's Health and Genetics/Laboratory Corporation of America, LabCorp
Classification: Uncertain significance. Last evaluated: 2025-06-23. Review status: criteria provided, single submitter. Criteria: LabCorp Variant Classification Summary - May 2015. Collection method: clinical testing. Allele origin: germline.
Comment: Variant summary: COL11A2 c.2836G>C (p.Gly946Arg) results in a non-conservative amino acid change in the encoded protein sequence. Algorithms developed to predict the effect of missense changes on protein structure and function all suggest that this variant is likely to be disruptive. The variant was absent in 246254 control chromosomes. The available data on variant occurrences in the general population are insufficient to allow any conclusion about variant significance. To our knowledge, no occurrence of c.2836G>C in individuals affected with COL11A2-Related Disorders and no experimental evidence demonstrating its impact on protein function have been reported. No submitters have cited clinical-significance assessments for this variant to ClinVar. Based on the evidence outlined above, the variant was classified as uncertain significance.